The following is an entry in ClinVar:

ClinVar aggregate classification (germline): Uncertain significance. Review status: criteria provided, multiple submitters, no conflicts (2 of 4 stars). 8 submissions from 8 submitters: Uncertain significance (8). Last evaluated 2026-02-13.

Conditions:
Endometrial carcinoma. Also called: Endometrial carcinoma, somatic. Identifiers: MedGen C0476089, MONDO:0002447, OMIM 608089, HP:0012114.
Familial adenomatous polyposis 4 (FAP4). Also called: MSH3-related attenuated familial adenomatous polyposis. Identifiers: Orphanet 480536, MedGen C4310719, MONDO:0044300, OMIM 617100.
Hereditary cancer-predisposing syndrome. Also called: Hereditary Cancer Syndrome; Neoplastic Syndromes, Hereditary; Tumor predisposition; Hereditary neoplastic syndrome. Identifiers: Orphanet 140162, MedGen C0027672, MeSH D009386, MONDO:0015356.

Allele frequency attached by ClinVar (database versions not stated): TOPMed 0.00002; ExAC 0.00003; gnomAD 0.00004 and 0.00003; 1000 Genomes Project 30x 0.00047; gnomAD exomes 0.00004; 1000 Genomes Project 0.00040.
gnomAD v4.1: 42 of 1,614,178 alleles (0.0026%); highest among the groups gnomAD compares: Admixed American, 0.01%; no homozygotes.

Submissions (8):

OLLIN Analises Genomicas, OLLIN
Classification: Uncertain significance for Familial adenomatous polyposis 4. Last evaluated: 2026-02-13. Review status: criteria provided, single submitter. Criteria: ACMG Guidelines 2015 PMID 25741868. Collection method: clinical testing. Allele origin: germline. Observed: 1 variant allele.
Comment: PP3, BP1

Dasa
Classification: Uncertain significance. Last evaluated: 2026-01-19. Review status: criteria provided, single submitter. Criteria: DASA Assertion Criteria. Collection method: clinical testing. Allele origin: germline.
Comment: NM_002439.5(MSH3):c.2762A>G (p.Tyr921Cys) is a missense variant that results in the substitution of tyrosine with cysteine. This variant is rare in population databases. Computational prediction algorithms are consistent with a deleterious effect. The currently available literature and clinical evidence are not sufficient to establish a definitive association between this variant and the reported condition. Therefore, this variant is classified as a variant of uncertain significance.

Labcorp Genetics (formerly Invitae), Labcorp
Classification: Uncertain significance. Last evaluated: 2025-12-18. Review status: criteria provided, single submitter. Criteria: Invitae Variant Classification Sherloc (09022015). Collection method: clinical testing. Allele origin: germline.
Comment: This sequence change replaces tyrosine, which is neutral and polar, with cysteine, which is neutral and slightly polar, at codon 921 of the MSH3 protein (p.Tyr921Cys). This variant is present in population databases (rs190723980, gnomAD 0.02%). This variant has not been reported in the literature in individuals affected with MSH3-related conditions. ClinVar contains an entry for this variant (Variation ID: 821775). An algorithm developed to predict the effect of missense changes on protein structure and function (PolyPhen-2) suggests that this variant is likely to be disruptive. In summary, the available evidence is currently insufficient to determine the role of this variant in disease. Therefore, it has been classified as a Variant of Uncertain Significance.

Ambry Genetics
Classification: Uncertain significance for Hereditary cancer-predisposing syndrome. Last evaluated: 2025-07-24. Review status: criteria provided, single submitter. Criteria: Ambry Variant Classification Scheme 2023. Collection method: clinical testing. Allele origin: germline.
Comment: The p.Y921C variant (also known as c.2762A>G), located in coding exon 20 of the MSH3 gene, results from an A to G substitution at nucleotide position 2762. The tyrosine at codon 921 is replaced by cysteine, an amino acid with highly dissimilar properties. This amino acid position is well conserved in available vertebrate species. In addition, this alteration is predicted to be deleterious by in silico analysis. Based on the available evidence, the clinical significance of this variant remains unclear.

Quest Diagnostics Nichols Institute San Juan Capistrano
Classification: Uncertain significance. Last evaluated: 2024-10-24. Review status: criteria provided, single submitter. Criteria: Quest Diagnostics criteria. Collection method: clinical testing. Allele origin: unknown.
Comment: The MSH3 c.2762A>G (p.Tyr921Cys) variant has not been reported in individuals with MSH3-related conditions in the published literature. The frequency of this variant in the general population, 0.00016 (4/24974 chromosomes (Genome Aggregation Database)), is uninformative in the assessment of its pathogenicity. Analysis of this variant using bioinformatics tools for the prediction of the effect of amino acid changes on protein structure and function yielded conflicting predictions that this variant is benign or damaging. Based on the available information, we are unable to determine the clinical significance of this variant.

Baylor Genetics
Classification: Uncertain significance for Endometrial carcinoma. Last evaluated: 2024-02-24. Review status: criteria provided, single submitter. Criteria: ACMG Guidelines, 2015. Collection method: clinical testing. Allele origin: unknown.

Fulgent Genetics
Classification: Uncertain significance for Endometrial carcinoma; Familial adenomatous polyposis 4. Last evaluated: 2024-02-23. Review status: criteria provided, single submitter. Criteria: ACMG Guidelines, 2015. Collection method: clinical testing. Allele origin: germline.

GeneDx
Classification: Uncertain significance. Last evaluated: 2022-08-30. Review status: criteria provided, single submitter. Criteria: GeneDx Variant Classification Process June 2021. Collection method: clinical testing. Allele origin: germline. Affected: yes.
Comment: In silico analysis supports that this missense variant has a deleterious effect on protein structure/function; Has not been previously published as pathogenic or benign to our knowledge

NM_002439.5(MSH3):c.2762A>G (p.Tyr921Cys)

Gene: MSH3 (mutS homolog 3; plus strand). Cytogenetic location: 5q14.1.
Variant type: single nucleotide variant.
Coding change: c.2762A>G on transcript NM_002439.5 (MANE Select); coding-DNA position 2762, A replaced by G.
Protein change: p.Tyr921Cys; replaces tyrosine 921 with cysteine.
Molecular consequence: missense variant.
Genome position (GRCh38, 1-based): chr5:80,813,690, A>G. VCF-style: chr5-80813690-A-G. GRCh37 (hg19) VCF-style: chr5-80109509-A-G.
Other names: short protein forms Y921C.
Identifiers: ClinVar variation 821775 (VCV000821775.22), dbSNP rs190723980, ClinGen allele CA3328350.